The following is an entry in ClinVar:

NM_001854.4(COL11A1):c.4670A>G (p.His1557Arg)

Gene: COL11A1 (collagen type XI alpha 1 chain; minus strand). Cytogenetic location: 1p21.1.
Variant type: single nucleotide variant.
Coding change: c.4670A>G on transcript NM_001854.4 (MANE Select); coding-DNA position 4670, A replaced by G.
Protein change: p.His1557Arg; replaces histidine 1557 with arginine.
Molecular consequence: missense variant. On other transcripts: non-coding transcript variant (1).
Genome position (GRCh38, 1-based): chr1:102,886,995, T>C on the plus strand (A>G on the coding strand, the complement: COL11A1 is on the minus strand). VCF-style: chr1-102886995-T-C. GRCh37 (hg19) VCF-style: chr1-103352551-T-C.
Other names: c.4553A>G, p.His1518Arg (NM_001190709.2); c.4706A>G, p.His1569Arg (NM_080629.3); c.4322A>G, p.His1441Arg (NM_080630.4); short protein forms H1441R, H1518R, H1557R, H1569R.
Identifiers: ClinVar variation 3391592 (VCV003391592.3).
Genomic context (GRCh38, chr1:102,886,995, plus strand): 5'-TCCATTCCATCCGAGTAATCAAGAATATTATCATCTGCATCTGCTTGCATGCCTTCAGTA[T>C]GTCTTCTCGTTTTTTTGGAGGACAAGATTGGTAAAGGCTGAATGACTTCACCAGGTGGAC-3'
Protein context (NP_001845.3, residues 1547-1567): PILSSKKTRR[His1557Arg]TEGMQADADD

ClinVar aggregate classification (germline): Uncertain significance. Review status: criteria provided, multiple submitters, no conflicts (2 of 4 stars). 3 submissions from 3 submitters: Uncertain significance (3). Last evaluated 2025-10-14.

Conditions:
Inborn genetic diseases. Identifiers: MedGen C0950123, MeSH D030342.

gnomAD v4.1: 13 of 1,613,982 alleles (0.00081%); highest among the groups gnomAD compares: Non-Finnish European, 0.0011%; no homozygotes.

Submissions (3):

Labcorp Genetics (formerly Invitae), Labcorp
Classification: Uncertain significance. Last evaluated: 2025-10-14. Review status: criteria provided, single submitter. Criteria: Invitae Variant Classification Sherloc (09022015). Collection method: clinical testing. Allele origin: germline.
Comment: This sequence change replaces histidine, which is basic and polar, with arginine, which is basic and polar, at codon 1557 of the COL11A1 protein (p.His1557Arg). This variant is not present in population databases (gnomAD no frequency). This variant has not been reported in the literature in individuals affected with COL11A1-related conditions. ClinVar contains an entry for this variant (Variation ID: 3391592). Invitae Evidence Modeling of protein sequence and biophysical properties (such as structural, functional, and spatial information, amino acid conservation, physicochemical variation, residue mobility, and thermodynamic stability) indicates that this missense variant is not expected to disrupt COL11A1 protein function with a negative predictive value of 80%. In summary, the available evidence is currently insufficient to determine the role of this variant in disease. Therefore, it has been classified as a Variant of Uncertain Significance.

Ambry Genetics
Classification: Uncertain significance for Inborn genetic diseases. Last evaluated: 2025-09-01. Review status: criteria provided, single submitter. Criteria: Ambry Variant Classification Scheme 2023. Collection method: clinical testing. Allele origin: germline.

GeneDx
Classification: Uncertain significance. Last evaluated: 2024-06-18. Review status: criteria provided, single submitter. Criteria: GeneDx Variant Classification Process June 2021. Collection method: clinical testing. Allele origin: germline. Affected: yes.
Comment: Not observed at significant frequency in large population cohorts (gnomAD); In silico analysis indicates that this missense variant does not alter protein structure/function; Has not been previously published as pathogenic or benign to our knowledge; Not located in the triple helical region, where the majority of pathogenic missense variants occur (HGMD; PMID: 25240749)